The following is an entry in ClinVar:

NM_001378743.1(CYLD):c.2469+10C>T

Genes: CYLD (CYLD lysine 63 deubiquitinase; plus strand), CYLD-AS2 (CYLD antisense RNA 2; minus strand). Cytogenetic location: 16q12.1.
Variant type: single nucleotide variant.
Coding change: c.2469+10C>T on transcript NM_001378743.1 (MANE Select); 10 bases into the intron after coding-DNA position 2469, C replaced by T.
Molecular consequence: intron variant.
Genome position (GRCh38, 1-based): chr16:50,793,674, C>T. VCF-style: chr16-50793674-C-T. GRCh37 (hg19) VCF-style: chr16-50827585-C-T.
Other names: c.2469+10C>T (NM_015247.3); c.2460+10C>T (NM_001378745.1, NM_001378744.1, NM_001042355.2 and 6 more transcripts); c.2430+10C>T (NM_001378753.1, NM_001378751.1, NM_001378752.1); c.1794+10C>T (NM_001378754.1, NM_001378755.1).
Identifiers: ClinVar variation 731466 (VCV000731466.12), dbSNP rs374473837, ClinGen allele CA8052628.

ClinVar aggregate classification (germline): Benign/Likely benign. Review status: criteria provided, multiple submitters, no conflicts (2 of 4 stars). 6 submissions from 4 submitters: Benign (4); Likely benign (2). Last evaluated 2026-01-16.

Conditions:
Familial cylindromatosis. Also called: Turban tumor syndrome; ANCELL-SPIEGLER CYLINDROMAS. Identifiers: Orphanet 211, Orphanet 79493, MedGen C1851526, MONDO:0007565, OMIM 132700.
Brooke-Spiegler syndrome. Also called: CYLD Cutaneous Syndrome. Identifiers: Orphanet 79493, MedGen C1857941, MONDO:0011512, OMIM 605041.
Familial multiple trichoepitheliomata. Also called: Familial multiple trichoepithelioma. Identifiers: Orphanet 79493, Orphanet 867, MedGen C1275122, MONDO:0011114.

Allele frequency attached by ClinVar (database versions not stated): gnomAD 0.00018; TOPMed 0.00022; ESP Exome Variant Server 0.00025; gnomAD exomes 0.00028 and 0.00036; ExAC 0.00036.
gnomAD v4.1: 541 of 1,536,902 alleles (0.035%); highest among the groups gnomAD compares: Middle Eastern, 0.13%; 1 homozygote.

Submissions (6):

Labcorp Genetics (formerly Invitae), Labcorp
Classification: Benign. Last evaluated: 2026-01-16. Review status: criteria provided, single submitter. Criteria: Invitae Variant Classification Sherloc (09022015). Collection method: clinical testing. Allele origin: germline.

Dasa
Classification: Likely benign for Familial cylindromatosis. Last evaluated: 2025-11-05. Review status: criteria provided, single submitter. Criteria: DASA Assertion Criteria. Collection method: clinical testing. Allele origin: germline.
Comment: NM_001378743.1(CYLD):c.2469+10C>T is a splice-region variant. Observations in unaffected individuals support a benign interpretation, and the variant context is inconsistent with a known disease-causing mechanism. Computational prediction algorithms are consistent with a benign effect. Therefore, based on the currently available evidence, this variant is classified as likely benign.

Blueprint Genetics
Classification: Likely benign. Last evaluated: 2024-11-25. Review status: criteria provided, single submitter. Criteria: ACMG Guidelines, 2015. Collection method: clinical testing. Allele origin: germline.

Illumina Laboratory Services, Illumina
Classification: Benign for Familial cylindromatosis. Last evaluated: 2018-01-12. Review status: criteria provided, single submitter. Criteria: ICSL Variant Classification Criteria 13 December 2019. Collection method: clinical testing. Allele origin: germline.
Comment: This variant was observed in the ICSL laboratory as part of a predisposition screen in an ostensibly healthy population. It had not been previously curated by ICSL or reported in the Human Gene Mutation Database (HGMD: prior to June 1st, 2018), and was therefore a candidate for classification through an automated scoring system. Utilizing variant allele frequency, disease prevalence and penetrance estimates, and inheritance mode, an automated score was calculated to assess if this variant is too frequent to cause the disease. Based on the score and internal cut-off values, a variant classified as benign is not then subjected to further curation. The score for this variant resulted in a classification of benign for this disease.

Illumina Laboratory Services, Illumina
Classification: Benign for Trichoepithelioma, multiple familial, 1. Last evaluated: 2018-01-12. Review status: criteria provided, single submitter. Criteria: ICSL Variant Classification Criteria 13 December 2019. Collection method: clinical testing. Allele origin: germline.
Comment: the same text as in the submission from Illumina Laboratory Services, Illumina above.

Illumina Laboratory Services, Illumina
Classification: Benign for Brooke-Spiegler syndrome. Last evaluated: 2018-01-12. Review status: criteria provided, single submitter. Criteria: ICSL Variant Classification Criteria 13 December 2019. Collection method: clinical testing. Allele origin: germline.
Comment: the same text as in the submission from Illumina Laboratory Services, Illumina above.